The following is an entry in ClinVar:

ClinVar aggregate classification (germline): Uncertain significance (1 of 4 stars; one submission).

gnomAD v4.1: 4 of 1,614,166 alleles (0.00025%); highest among the groups gnomAD compares: African/African-American, 0.004%; no homozygotes.

Submission:

Labcorp Genetics (formerly Invitae), Labcorp
Classification: Uncertain significance. Last evaluated: 2026-01-11. Review status: criteria provided, single submitter. Criteria: Invitae Variant Classification Sherloc (09022015). Collection method: clinical testing. Allele origin: germline.
Comment: This sequence change replaces glutamic acid, which is acidic and polar, with lysine, which is basic and polar, at codon 85 of the MKL1 protein (p.Glu85Lys). This variant is present in population databases (rs140535946, gnomAD 0.02%). This variant has not been reported in the literature in individuals affected with MKL1-related conditions. An algorithm developed to predict the effect of missense changes on protein structure and function (PolyPhen-2) suggests that this variant is likely to be disruptive. In summary, the available evidence is currently insufficient to determine the role of this variant in disease. Therefore, it has been classified as a Variant of Uncertain Significance.

NM_020831.6(MRTFA):c.553G>A (p.Glu185Lys)

Gene: MRTFA (myocardin related transcription factor A; minus strand). Cytogenetic location: 22q13.1.
Variant type: single nucleotide variant.
Coding change: c.553G>A on transcript NM_020831.6 (MANE Select); coding-DNA position 553, G replaced by A.
Protein change: p.Glu185Lys; replaces glutamic acid 185 with lysine.
Molecular consequence: missense variant.
Genome position (GRCh38, 1-based): chr22:40,429,654, C>T on the plus strand (G>A on the coding strand, the complement: MRTFA is on the minus strand). VCF-style: chr22-40429654-C-T. GRCh37 (hg19) VCF-style: chr22-40825658-C-T.
Other names: c.253G>A, p.Glu85Lys (NM_001282660.2); c.553G>A, p.Glu185Lys (NM_001282661.3, NM_001282662.3); c.358G>A, p.Glu120Lys (NM_001318139.2); short protein forms E85K, E120K, E185K.
Identifiers: ClinVar variation 4766348 (VCV004766348.1).